The following is an entry in ClinVar:

ClinVar aggregate classification (germline): Pathogenic (1 of 4 stars; one submission).

Conditions:
Hereditary cancer-predisposing syndrome. Also called: Neoplastic Syndromes, Hereditary; Tumor predisposition; Hereditary Cancer Syndrome; Hereditary neoplastic syndrome. Identifiers: Orphanet 140162, MedGen C0027672, MeSH D009386, MONDO:0015356.

Submission:

Ambry Genetics
Classification: Pathogenic for Hereditary cancer-predisposing syndrome. Last evaluated: 2025-09-18. Review status: criteria provided, single submitter. Criteria: Ambry Variant Classification Scheme 2023. Collection method: clinical testing. Allele origin: germline.
Comment: The c.1156dupG pathogenic mutation, located in coding exon 4 of the AXIN2 gene, results from a duplication of G at nucleotide position 1156, causing a translational frameshift with a predicted alternate stop codon (p.E386Gfs*17). This variant is considered to be rare based on population cohorts in the Genome Aggregation Database (gnomAD). This alteration is expected to result in loss of function by premature protein truncation or nonsense-mediated mRNA decay. As such, this alteration is interpreted as a disease-causing mutation.

NM_004655.4(AXIN2):c.1156dup (p.Glu386fs)

Gene: AXIN2 (axin 2; minus strand). Cytogenetic location: 17q24.1.
Variant type: Duplication.
Coding change: c.1156dup on transcript NM_004655.4 (MANE Select); coding-DNA position 1156, one base duplicated (G; older notation c.1156dupG).
Protein change: p.Glu386fs; shifts the reading frame from glutamic acid 386.
Molecular consequence: frameshift variant.
Genome position (GRCh38, 1-based): chr17:65,538,247, C duplicated on the plus strand (G on the coding strand, the reverse complement: AXIN2 is on the minus strand); the first of 2 consecutive C bases (chr17:65,538,247-65,538,248); duplicating either gives the same sequence. VCF-style (leftmost placement, unchanged base first): chr17-65538246-T-TC. GRCh37 (hg19) VCF-style: chr17-63534364-T-TC.
Other names: c.1156dup, p.Glu386fs (NM_001363813.1); c.1156dupG (NM_004655.3); short protein forms E386fs.
Identifiers: ClinVar variation 4619477 (VCV004619477.1).
Genomic context (GRCh38, chr17:65,538,246, plus strand): 5'-GGCCTAGGCCGCATTACCTCTCGGATCTGCTGCAGGCGCTCCTCCAGGCTGTGGCGGCTC[T>TC]CCAACTCCAGCTTCAGCTTTTCCAGCCTCGAGATCAGCTCAGCTGCAAAGGTGGCGGGTT-3'